The following is an entry in ClinVar:

ClinVar aggregate classification (germline): Pathogenic (1 of 4 stars; one submission).

Submission:

Labcorp Genetics (formerly Invitae), Labcorp
Classification: Pathogenic. Last evaluated: 2021-07-06. Review status: criteria provided, single submitter. Criteria: Invitae Variant Classification Sherloc (09022015). Collection method: clinical testing. Allele origin: germline.
Comment: This sequence change creates a premature translational stop signal (p.Lys938Glyfs*9) in the EYS gene. It is expected to result in an absent or disrupted protein product. Loss-of-function variants in EYS are known to be pathogenic (PMID: 18836446, 20333770). This variant is not present in population databases (ExAC no frequency). This variant has not been reported in the literature in individuals affected with EYS-related conditions. For these reasons, this variant has been classified as Pathogenic.

Literature cited by the submitters: PubMed 18836446; PubMed 20333770.

NM_001142800.2(EYS):c.2811_2830del (p.Lys938fs)

Gene: EYS (EGF-like photoreceptor maintenance factor; minus strand). Cytogenetic location: 6q12.
Variant type: Deletion.
Coding change: c.2811_2830del on transcript NM_001142800.2 (MANE Select); coding-DNA positions 2811 to 2830, 20 bases deleted (CAAAAATAATGGAACATGTG).
Protein change: p.Lys938fs; shifts the reading frame from lysine 938.
Molecular consequence: frameshift variant.
Genome position (GRCh38, 1-based): chr6:64,902,129-64,902,148, CACATGTTCCATTATTTTTG deleted on the plus strand (CAAAAATAATGGAACATGTG on the coding strand, the reverse complement: EYS is on the minus strand); deleting any 20 consecutive bases within chr6:64,902,129-64,902,150 gives the same sequence; the c. name uses the placement nearest the transcript's 3' end. VCF-style (leftmost placement, unchanged base first): chr6-64902128-ACACATGTTCCATTATTTTTG-A. GRCh37 (hg19) VCF-style: chr6-65612021-ACACATGTTCCATTATTTTTG-A.
Other names: c.2811_2830del, p.Lys938fs (NM_001292009.2); short protein forms K938fs.
Identifiers: ClinVar variation 1451208 (VCV001451208.6), dbSNP rs2150071623, ClinGen allele CA2573141020.
Genomic context (GRCh38, chr6:64,902,128, plus strand): 5'-ATTACACACATCAAATAATTAATTTAATAAAAAGTAGCTTCTCACCTGTTTGTCAGATCC[ACACATGTTCCATTATTTTTG>A]CAAGGTTCAGAGGAACATTCATTAATTTCAATTTCACACAGAGATCCAGAAAACCCAGGT-3'